The following is an entry in ClinVar:

NM_001267550.2(TTN):c.62891C>A (p.Pro20964His)

Genes: TTN (titin; minus strand), TTN-AS1 (TTN antisense RNA 1; plus strand). Cytogenetic location: 2q31.2.
Variant type: single nucleotide variant.
Coding change: c.62891C>A on transcript NM_001267550.2 (MANE Select); coding-DNA position 62891, C replaced by A.
Protein change: p.Pro20964His; replaces proline 20964 with histidine.
Molecular consequence: missense variant.
Genome position (GRCh38, 1-based): chr2:178,588,834, G>T on the plus strand (C>A on the coding strand, the complement: TTN is on the minus strand). VCF-style: chr2-178588834-G-T. GRCh37 (hg19) VCF-style: chr2-179453561-G-T.
Other names: p.P19323H:CCT>CAT; c.57968C>A, p.Pro19323His (NM_001256850.1); c.35696C>A, p.Pro11899His (NM_003319.4); c.55187C>A, p.Pro18396His (NM_133378.4); c.36071C>A, p.Pro12024His (NM_133432.3); c.36272C>A, p.Pro12091His (NM_133437.4); short protein forms P19323H, P20964H, P12091H, P12024H, P18396H, P11899H.
Identifiers: ClinVar variation 202317 (VCV000202317.5), dbSNP rs548460016, ClinGen allele CA309067.

ClinVar aggregate classification (germline): Conflicting classifications of pathogenicity. Review status: criteria provided, conflicting classifications (1 of 4 stars). 2 submissions from 2 submitters: Uncertain significance (1); Likely benign (1). Last evaluated 2018-02-26.

Conditions:
Cardiomyopathy (CMYO). Also called: Cardiomyopathies. Identifiers: Orphanet 167848, MedGen C0878544, MONDO:0004994, HP:0001638. Inheritance: Various modes of inheritance.

Allele frequency attached by ClinVar (database versions not stated): gnomAD exomes below 0.00001 and 0.00001; gnomAD 0.00001; 1000 Genomes Project 30x 0.00016; 1000 Genomes Project 0.00020; TOPMed 0.00002.
gnomAD v4.1: 16 of 1,613,352 alleles (0.00099%); highest among the groups gnomAD compares: Non-Finnish European, 0.0013%; no homozygotes.

Submissions (2):

CHEO Genetics Diagnostic Laboratory, Children's Hospital of Eastern Ontario
Classification: Uncertain significance for Cardiomyopathy. Last evaluated: 2018-02-26. Review status: criteria provided, single submitter. Criteria: ACMG Guidelines, 2015. Collection method: clinical testing. Allele origin: germline.

GeneDx
Classification: Likely benign. Last evaluated: 2012-11-26. Review status: criteria provided, single submitter. Criteria: GeneDx Variant Classification (06012015). Collection method: clinical testing. Allele origin: germline. Affected: yes.
Comment: This variant is considered likely benign or benign based on one or more of the following criteria: it is a conservative change, it occurs at a poorly conserved position in the protein, it is predicted to be benign by multiple in silico algorithms, and/or has population frequency not consistent with disease.